The following is an entry in ClinVar:

NM_004415.4(DSP):c.7666C>T (p.Gln2556Ter)

Gene: DSP (desmoplakin; plus strand). Cytogenetic location: 6p24.3.
Variant type: single nucleotide variant.
Coding change: c.7666C>T on transcript NM_004415.4 (MANE Select); coding-DNA position 7666, C replaced by T.
Protein change: p.Gln2556Ter; replaces glutamine 2556 with a stop codon.
Molecular consequence: nonsense.
Genome position (GRCh38, 1-based): chr6:7,584,928, C>T. VCF-style: chr6-7584928-C-T. GRCh37 (hg19) VCF-style: chr6-7585161-C-T.
Other names: c.5869C>T, p.Gln1957Ter (NM_001008844.3); c.6337C>T, p.Gln2113Ter (NM_001319034.2); short protein forms Q2556*, Q1957*, Q2113*.
Identifiers: ClinVar variation 4614047 (VCV004614047.1).

ClinVar aggregate classification (germline): Pathogenic (1 of 4 stars; one submission).

Conditions:
Cardiovascular phenotype. Identifiers: MedGen CN230736.

Submission:

Ambry Genetics
Classification: Pathogenic for Cardiovascular phenotype. Last evaluated: 2025-11-21. Review status: criteria provided, single submitter. Criteria: Ambry Variant Classification Scheme 2023. Collection method: clinical testing. Allele origin: germline.
Comment: The p.Q2556* pathogenic mutation (also known as c.7666C>T), located in coding exon 24 of the DSP gene, results from a C to T substitution at nucleotide position 7666. This changes the amino acid from a glutamine to a stop codon within coding exon 24. This alteration occurs at the 3' terminus of the gene, is not expected to trigger nonsense-mediated mRNA decay, and impacts the last 11% of the protein. However, premature stop codons are typically deleterious in nature and the impacted region is critical for protein function (Ambry internal data). This variant is considered to be rare based on population cohorts in the Genome Aggregation Database (gnomAD). Based on the supporting evidence, this variant is interpreted as a disease-causing mutation.